The following is an entry in ClinVar:

ClinVar aggregate classification (germline): Uncertain significance. Review status: criteria provided, multiple submitters, no conflicts (2 of 4 stars). 3 submissions from 3 submitters: Uncertain significance (2). 1 of the submissions does not count toward it. Last evaluated 2022-10-18.

Conditions:
Fanconi anemia (FA). Also called: Fanconi's anemia. Identifiers: Orphanet 84, MedGen C0015625, MeSH D005199, MONDO:0019391.
Fanconi anemia complementation group A (FANCA). Also called: FANCA-Related Fanconi Anemia; Fanconi anemia, group A. Identifiers: Orphanet 84, MedGen C3469521, MONDO:0009215, OMIM 227650.

Allele frequency attached by ClinVar (database versions not stated): gnomAD exomes below 0.00001; TOPMed below 0.00001; ExAC 0.00001; gnomAD 0.00001.

Submissions (3):

Quest Diagnostics Nichols Institute San Juan Capistrano
Classification: Uncertain significance. Last evaluated: 2022-10-18. Review status: criteria provided, single submitter. Criteria: Quest Diagnostics criteria. Collection method: clinical testing. Allele origin: unknown.
Comment: The variant has not been reported in the published literature. The frequency of this variant in the general population, 0.0000071 (2/282788 chromosomes), is uninformative in assessment of its pathogenicity. Analysis of this variant using bioinformatics tools for the prediction of the effect of amino acid changes on protein structure and function yielded predictions that this variant is benign. Based on the available information, we are unable to determine the clinical significance of this variant.

Labcorp Genetics (formerly Invitae), Labcorp
Classification: Uncertain significance for Fanconi anemia. Last evaluated: 2021-08-31. Review status: criteria provided, single submitter. Criteria: Invitae Variant Classification Sherloc (09022015). Collection method: clinical testing. Allele origin: germline.
Comment: This sequence change replaces tyrosine with cysteine at codon 488 of the FANCA protein (p.Tyr488Cys). The tyrosine residue is highly conserved and there is a large physicochemical difference between tyrosine and cysteine. The frequency data for this variant in the population databases is considered unreliable, as metrics indicate poor data quality at this position in the ExAC database. This variant has not been reported in the literature in individuals affected with FANCA-related conditions. Algorithms developed to predict the effect of missense changes on protein structure and function output the following: SIFT: "Deleterious"; PolyPhen-2: "Possibly Damaging"; Align-GVGD: "Class C0". The cysteine amino acid residue is found in multiple mammalian species, which suggests that this missense change does not adversely affect protein function. In summary, the available evidence is currently insufficient to determine the role of this variant in disease. Therefore, it has been classified as a Variant of Uncertain Significance.

Natera, Inc.
Classification: Uncertain significance for Fanconi anemia, group A. Last evaluated: 2020-09-16. Review status: no assertion criteria provided. Collection method: clinical testing. Allele origin: germline. Not counted in ClinVar's aggregate classification.

NM_000135.4(FANCA):c.1463A>G (p.Tyr488Cys)

Gene: FANCA (FA complementation group A; minus strand). Cytogenetic location: 16q24.3.
Variant type: single nucleotide variant.
Coding change: c.1463A>G on transcript NM_000135.4 (MANE Select); coding-DNA position 1463, A replaced by G.
Protein change: p.Tyr488Cys; replaces tyrosine 488 with cysteine.
Molecular consequence: missense variant.
Genome position (GRCh38, 1-based): chr16:89,784,861, T>C on the plus strand (A>G on the coding strand, the complement: FANCA is on the minus strand). VCF-style: chr16-89784861-T-C. GRCh37 (hg19) VCF-style: chr16-89851269-T-C.
Other names: c.1463A>G (LRG_495t1, NM_000135.3); c.1463A>G, p.Tyr488Cys (NM_001286167.3); short protein forms Y488C.
Identifiers: ClinVar variation 580727 (VCV000580727.7), dbSNP rs748907151, ClinGen allele CA8252329.